The following is an entry in ClinVar:

NM_001369268.1(ACAN):c.6400dup (p.Ser2134fs)

Gene: ACAN (aggrecan; plus strand). Cytogenetic location: 15q26.1.
Variant type: Duplication.
Coding change: c.6400dup on transcript NM_001369268.1 (MANE Select); coding-DNA position 6400, one base duplicated (T; older notation c.6400dupT).
Protein change: p.Ser2134fs; shifts the reading frame from serine 2134.
Molecular consequence: frameshift variant.
Genome position (GRCh38, 1-based): chr15:88,858,985, T duplicated. VCF-style (leftmost placement, unchanged base first): chr15-88858984-C-CT. GRCh37 (hg19) VCF-style: chr15-89402215-C-CT.
Other names: c.6400dup, p.Ser2134fs (NM_001135.4, NM_001411096.1, NM_001411097.1 and 1 more transcripts); short protein forms S2134fs.
Identifiers: ClinVar variation 5038248 (VCV005038248.1).
Genomic context (GRCh38, chr15:88,858,984, plus strand): 5'-ATCTGCCGCCCCTGAGGCCAGCAGAGAAGATTCTGGGTCCCCTGATCTGAGTGAAACCAC[C>CT]TCTGCATTCCACGAAGCTAACCTTGAGAGATCCTCTGGCCTAGGAGTGAGCGGCAGCACT-3'

ClinVar aggregate classification (germline): Likely pathogenic (1 of 4 stars; one submission).

Conditions:
Short stature and advanced bone age, with or without early-onset osteoarthritis and/or osteochondritis dissecans (SSOAOD). Identifiers: Orphanet 251262, MedGen C3665488, MONDO:0100462, OMIM 165800.

Submission:

MVZ Medizinische Genetik Mainz
Classification: Likely pathogenic for Short stature and advanced bone age, with or without early-onset osteoarthritis and/or osteochondritis dissecans. Last evaluated: 2026-07-21. Review status: criteria provided, single submitter. Criteria: UK Practice Guidelines For Variant Classification V4 01 2020. Collection method: clinical testing. Allele origin: germline. Inheritance: Autosomal dominant inheritance. Affected: yes. Observed: 1 variant allele.
Comment: ACMG Criteria: PVS1,PM2_SUP